The following is an entry in ClinVar:

ClinVar aggregate classification (germline): Uncertain significance (1 of 4 stars; one submission).

Submission:

Labcorp Genetics (formerly Invitae), Labcorp
Classification: Uncertain significance. Last evaluated: 2025-09-24. Review status: criteria provided, single submitter. Criteria: Invitae Variant Classification Sherloc (09022015). Collection method: clinical testing. Allele origin: germline.
Comment: This sequence change replaces phenylalanine, which is neutral and non-polar, with isoleucine, which is neutral and non-polar, at codon 559 of the ATP1A1 protein (p.Phe559Ile). This variant is not present in population databases (gnomAD no frequency). This variant has not been reported in the literature in individuals affected with ATP1A1-related conditions. Invitae Evidence Modeling of protein sequence and biophysical properties (such as structural, functional, and spatial information, amino acid conservation, physicochemical variation, residue mobility, and thermodynamic stability) indicates that this missense variant is not expected to disrupt ATP1A1 protein function with a negative predictive value of 95%. In summary, the available evidence is currently insufficient to determine the role of this variant in disease. Therefore, it has been classified as a Variant of Uncertain Significance.

NM_000701.8(ATP1A1):c.1675T>A (p.Phe559Ile)

Genes: ATP1A1-AS1 (ATP1A1 antisense RNA 1; minus strand), ATP1A1 (ATPase Na+/K+ transporting subunit alpha 1; plus strand). Cytogenetic location: 1p13.1.
Variant type: single nucleotide variant.
Coding change: c.1675T>A on transcript NM_000701.8 (MANE Select); coding-DNA position 1675, T replaced by A.
Protein change: p.Phe559Ile; replaces phenylalanine 559 with isoleucine.
Molecular consequence: missense variant.
Genome position (GRCh38, 1-based): chr1:116,395,124, T>A. VCF-style: chr1-116395124-T-A. GRCh37 (hg19) VCF-style: chr1-116937746-T-A.
Other names: c.1675T>A, p.Phe559Ile (NM_001160233.2); c.1582T>A, p.Phe528Ile (NM_001160234.2); short protein forms F528I, F559I.
Identifiers: ClinVar variation 4746696 (VCV004746696.1).